The following is an entry in ClinVar:

ClinVar aggregate classification (germline): Uncertain significance. Review status: criteria provided, multiple submitters, no conflicts (2 of 4 stars). 4 submissions from 4 submitters: Uncertain significance (4). Last evaluated 2024-12-02.

Allele frequency attached by ClinVar (database versions not stated): gnomAD 0.00001; gnomAD exomes 0.00001; TOPMed 0.00001.
gnomAD v4.1: 63 of 1,541,566 alleles (0.0041%); highest among the groups gnomAD compares: Non-Finnish European, 0.0054%; no homozygotes.

Submissions (4):

GeneDx
Classification: Uncertain significance. Last evaluated: 2024-12-02. Review status: criteria provided, single submitter. Criteria: GeneDx Variant Classification Process June 2021. Collection method: clinical testing. Allele origin: germline. Affected: yes.
Comment: Not observed at significant frequency in large population cohorts (gnomAD); In silico analysis indicates that this missense variant does not alter protein structure/function; Has not been previously published as pathogenic or benign to our knowledge; In silico analysis supports a deleterious effect on splicing

Blueprint Genetics
Classification: Uncertain significance. Last evaluated: 2024-11-08. Review status: criteria provided, single submitter. Criteria: ACMG Guidelines, 2015. Collection method: clinical testing. Allele origin: germline.

Labcorp Genetics (formerly Invitae), Labcorp
Classification: Uncertain significance. Last evaluated: 2022-06-05. Review status: criteria provided, single submitter. Criteria: Invitae Variant Classification Sherloc (09022015). Collection method: clinical testing. Allele origin: germline.
Comment: This sequence change replaces arginine, which is basic and polar, with glutamine, which is neutral and polar, at codon 2096 of the OTOG protein (p.Arg2096Gln). The frequency data for this variant in the population databases is considered unreliable, as metrics indicate poor data quality at this position in the gnomAD database. This variant has not been reported in the literature in individuals affected with OTOG-related conditions. ClinVar contains an entry for this variant (Variation ID: 1335063). Algorithms developed to predict the effect of missense changes on protein structure and function (SIFT, PolyPhen-2, Align-GVGD) all suggest that this variant is likely to be tolerated. Algorithms developed to predict the effect of sequence changes on RNA splicing suggest that this variant may disrupt the consensus splice site. In summary, the available evidence is currently insufficient to determine the role of this variant in disease. Therefore, it has been classified as a Variant of Uncertain Significance.

CeGaT Center for Human Genetics Tuebingen
Classification: Uncertain significance. Last evaluated: 2021-10-01. Review status: criteria provided, single submitter. Criteria: CeGaT Center For Human Genetics Tuebingen Variant Classification Criteria Version 2. Collection method: clinical testing. Allele origin: germline. Affected: yes. Observed: 1 variant allele.

NM_001292063.2(OTOG):c.6251G>A (p.Arg2084Gln)

Gene: OTOG (otogelin; plus strand). Cytogenetic location: 11p15.1.
Variant type: single nucleotide variant.
Coding change: c.6251G>A on transcript NM_001292063.2 (MANE Select); coding-DNA position 6251, G replaced by A.
Protein change: p.Arg2084Gln; replaces arginine 2084 with glutamine.
Molecular consequence: missense variant.
Genome position (GRCh38, 1-based): chr11:17,612,289, G>A. VCF-style: chr11-17612289-G-A. GRCh37 (hg19) VCF-style: chr11-17633836-G-A.
Other names: c.6287G>A (NM_001277269.1); c.6287G>A, p.Arg2096Gln (NM_001277269.2); short protein forms R2084Q, R2096Q.
Identifiers: ClinVar variation 1335063 (VCV001335063.39), dbSNP rs1395557172, ClinGen allele CA379803846.